The following is an entry in ClinVar:

ClinVar aggregate classification (germline): Conflicting classifications of pathogenicity. Review status: criteria provided, conflicting classifications (1 of 4 stars). 2 submissions from 2 submitters: Pathogenic (1); Uncertain significance (1). Last evaluated 2025-06-08.

Conditions:
Early-infantile DEE. Also called: Early infantile epileptic encephalopathy; Ohtahara syndrome; Early infantile epileptic encephalopathy with suppression bursts. Identifiers: Orphanet 1934, MedGen C0393706, MONDO:0800491.

Submissions (2):

Labcorp Genetics (formerly Invitae), Labcorp
Classification: Pathogenic for Early-infantile DEE. Last evaluated: 2025-06-08. Review status: criteria provided, single submitter. Criteria: Invitae Variant Classification Sherloc (09022015). Collection method: clinical testing. Allele origin: germline.
Comment: This sequence change replaces glutamic acid, which is acidic and polar, with lysine, which is basic and polar, at codon 1455 of the SCN1A protein (p.Glu1455Lys). This variant is not present in population databases (gnomAD no frequency). This missense change has been observed in individual(s) with SCN1A-related conditions (PMID: 30558019; internal data). In at least one individual the variant was observed to be de novo. ClinVar contains an entry for this variant (Variation ID: 429801). Invitae Evidence Modeling of protein sequence and biophysical properties (such as structural, functional, and spatial information, amino acid conservation, physicochemical variation, residue mobility, and thermodynamic stability) has been performed for this missense variant. However, the output from this modeling did not meet the statistical confidence thresholds required to predict the impact of this variant on SCN1A protein function. Algorithms developed to predict the effect of sequence changes on RNA splicing suggest that this variant may disrupt the consensus splice site. For these reasons, this variant has been classified as Pathogenic.

GeneDx
Classification: Uncertain significance. Last evaluated: 2018-12-24. Review status: criteria provided, single submitter. Criteria: GeneDx Variant Classification (06012015). Collection method: clinical testing. Allele origin: germline. Affected: yes.
Comment: A variant of uncertain significance has been identified in the SCN1A gene. The E1455K variant has not been published as a pathogenic variant, nor has it been reported as a benign variant to our knowledge. The E1455K variant is not observed in large population cohorts (Lek et al., 2016; 1000 Genomes Consortium et al., 2015; Exome Variant Server). The E1455Kvariant is a non-conservative amino acid substitution, which is likely to impact secondary protein structure as these residues differ in polarity, charge, size and/or other properties. Multiple missense variants in nearby residues have been reported in Human Gene Mutation Database in association with SCN1A-related disorders (Stenson et al., 2014), supporting the functional importance of this region of the protein. However, this substitution occurs at a position that is not conserved that is predicted to be within the extracellular loop between the S5 and S6 transmembrane segments of the third homologous domain. In silico analysis is inconsistent in its predictions as to whether or not the variant is damaging to the protein structure/function. Therefore, based on the currently available information, it is unclear whether this variant is a pathogenic variant or a rare benign variant.

Literature cited by the submitters: PubMed 30558019 (cited by Labcorp Genetics (formerly Invitae), Labcorp).

NM_001165963.4(SCN1A):c.4363G>A (p.Glu1455Lys)

Genes: SCN1A (sodium voltage-gated channel alpha subunit 1; minus strand), LOC102724058 (uncharacterized LOC102724058; plus strand). Cytogenetic location: 2q24.3.
Variant type: single nucleotide variant.
Coding change: c.4363G>A on transcript NM_001165963.4 (MANE Select); coding-DNA position 4363, G replaced by A.
Protein change: p.Glu1455Lys; replaces glutamic acid 1455 with lysine.
Molecular consequence: missense variant. On other transcripts: non-coding transcript variant (1).
Genome position (GRCh38, 1-based): chr2:165,998,151, C>T on the plus strand (G>A on the coding strand, the complement: SCN1A is on the minus strand). VCF-style: chr2-165998151-C-T. GRCh37 (hg19) VCF-style: chr2-166854661-C-T.
Other names: c.4279G>A, p.Glu1427Lys (NM_001165964.3, NM_001353957.2, NM_001353958.2); c.4363G>A, p.Glu1455Lys (NM_001202435.3, NM_001353948.2); c.4330G>A, p.Glu1444Lys (NM_001353949.2, NM_001353950.2, NM_001353951.2 and 2 more transcripts); c.4327G>A, p.Glu1443Lys (NM_001353954.2, NM_001353955.2); c.4276G>A, p.Glu1426Lys (NM_001353960.2); c.1921G>A, p.Glu641Lys (NM_001353961.2); short protein forms E1444K, E1455K, E1427K, E641K, E1426K, E1443K.
Identifiers: ClinVar variation 429801 (VCV000429801.6), dbSNP rs1131691600, ClinGen allele CA349049462.
Genomic context (GRCh38, chr2:165,998,151, plus strand): 5'-AGGTGAAGAAGGACCCAAAGATGATGAAAATAACAAAGTAAAGATACATGTACAGACTTT[C>T]TTCATACTTAGGCTGGAGTTCCACCTACCAAAGGGGAATATTTTGTAAAATATTACCATA-3'
Protein context (NP_001159435.1, residues 1445-1465): RNVELQPKYE[Glu1455Lys]SLYMYLYFVI